The following is an entry in ClinVar:

ClinVar aggregate classification (germline): Likely pathogenic (1 of 4 stars; one submission).

Conditions:
Autosomal recessive nonsyndromic hearing loss 3. Also called: NEUROSENSORY NONSYNDROMIC RECESSIVE DEAFNESS 3. Identifiers: Orphanet 90636, MedGen C1838263, MONDO:0010860, OMIM 600316.

Submission:

Juno Genomics, Hangzhou Juno Genomics, Inc
Classification: Likely pathogenic for Autosomal recessive nonsyndromic hearing loss 3. Review status: criteria provided, single submitter. Criteria: ACMG Guidelines, 2015. Collection method: clinical testing. Allele origin: germline.
Comment: Null variant in a gene where loss of function (LOF) is a known mechanism of disease.;Absent from controls (or at extremely low frequency if recessive) in Genome Aggregation Database.

NM_016239.4(MYO15A):c.9133_9146del (p.Glu3045fs)

Gene: MYO15A (myosin XVA; plus strand). Cytogenetic location: 17p11.2.
Variant type: Deletion.
Coding change: c.9133_9146del on transcript NM_016239.4 (MANE Select); coding-DNA positions 9133 to 9146, 14 bases deleted (GAGGACATGCTTTG).
Protein change: p.Glu3045fs; shifts the reading frame from glutamic acid 3045.
Molecular consequence: frameshift variant.
Genome position (GRCh38, 1-based): chr17:18,158,974-18,158,987, GAGGACATGCTTTG deleted; deleting any 14 consecutive bases within chr17:18,158,971-18,158,987 gives the same sequence; the c. name uses the placement nearest the transcript's 3' end. VCF-style (leftmost placement, unchanged base first): chr17-18158970-CTTGGAGGACATGCT-C. GRCh37 (hg19) VCF-style: chr17-18062284-CTTGGAGGACATGCT-C.
Other names: short protein forms E3045fs.
Identifiers: ClinVar variation 5005714 (VCV005005714.2).